The following is an entry in ClinVar:

ClinVar aggregate classification (germline): Pathogenic (1 of 4 stars; one submission).

Conditions:
Familial cancer of breast. Also called: Hereditary breast cancer; BREAST CANCER, FAMILIAL; hereditary breast carcinoma. Identifiers: Orphanet 227535, MedGen C0346153, MONDO:0016419, OMIM 114480. Disease mechanism: loss of function.

Submission:

Labcorp Genetics (formerly Invitae), Labcorp
Classification: Pathogenic for Familial cancer of breast. Last evaluated: 2022-01-26. Review status: criteria provided, single submitter. Criteria: Invitae Variant Classification Sherloc (09022015). Collection method: clinical testing. Allele origin: germline.
Comment: For these reasons, this variant has been classified as Pathogenic. This variant has not been reported in the literature in individuals affected with BARD1-related conditions. This variant is a gross deletion of the genomic region encompassing exon(s) 1-2 of the BARD1 gene, which includes the initiator codon. This deletion extends beyond the assayed region for this gene and therefore may encompass additional genes. It is expected to result in an absent or disrupted protein product. Loss-of-function variants in BARD1 are known to be pathogenic (PMID: 20077502, 21344236).

Literature cited by the submitters: PubMed 20077502; PubMed 21344236.

NC_000002.11:g.(?_215661775)_(215674293_?)del

Gene: BARD1 (BRCA1 associated RING domain 1; minus strand). Cytogenetic location: 2q35.
Variant type: Deletion.
Identifiers: ClinVar variation 1379809 (VCV001379809.8).